The following is an entry in ClinVar:

ClinVar aggregate classification (germline): Pathogenic (0 of 4 stars; one submission).

Conditions:
Cholestanol storage disease (CTX). Also called: CEREBRAL CHOLESTERINOSIS; Cerebrotendinous Xanthomatosis; CTX: Cerebrotendinous xanthomatosis. Identifiers: Orphanet 909, MedGen C0238052, MONDO:0008948, OMIM 213700.

Submission:

GeneReviews
Classification: Pathogenic for Cerebrotendinous Xanthomatosis. Last evaluated: 2013-08-01. Review status: no assertion criteria provided. Collection method: curation. Allele origin: unknown.
ClinVar note: Converted during submission from pathologic to Pathogenic.

NM_000784.4(CYP27A1):c.1017G>C (p.Thr339=)

Gene: CYP27A1 (cytochrome P450 family 27 subfamily A member 1; plus strand). Cytogenetic location: 2q35.
Variant type: single nucleotide variant.
Coding change: c.1017G>C on transcript NM_000784.4 (MANE Select); coding-DNA position 1017, G replaced by C.
Protein change: p.Thr339=; no amino-acid change (threonine 339 retained).
Molecular consequence: synonymous variant.
Genome position (GRCh38, 1-based): chr2:218,813,096, G>C. VCF-style: chr2-218813096-G-C. GRCh37 (hg19) VCF-style: chr2-219677819-G-C.
Other names: c.1017G>C.
Identifiers: ClinVar variation 65825 (VCV000065825.3), dbSNP rs200553205, ClinGen allele CA345152.
Genomic context (GRCh38, chr2:218,813,096, plus strand): 5'-GCTCAGTCCTCGGGAGGCCATGGGCAGCCTGCCTGAGCTGCTCATGGCTGGAGTGGACAC[G>C]GTGCGTGAAGGGGGAGGGTGAGACCAGGGGCCCCCAGCTCCCAACCTGAACCAGTTCCCT-3'
Protein context (NP_000775.1, residues 329-349): LPELLMAGVD[Thr339=]TSNTLTWALY